The following is an entry in ClinVar:

ClinVar aggregate classification (germline): Uncertain significance (1 of 4 stars; one submission).

Conditions:
Dilated cardiomyopathy 1II (CMD1II). Identifiers: Orphanet 154, MedGen C3554649, MONDO:0014073, OMIM 615184.

Allele frequency attached by ClinVar (database versions not stated): gnomAD exomes below 0.00001.
gnomAD v4.1: 1 of 1,614,230 alleles (0.000062%); highest among the groups gnomAD compares: Non-Finnish European, 0.000085%; no homozygotes.

Submission:

Labcorp Genetics (formerly Invitae), Labcorp
Classification: Uncertain significance for Dilated cardiomyopathy 1II. Last evaluated: 2023-08-22. Review status: criteria provided, single submitter. Criteria: Invitae Variant Classification Sherloc (09022015). Collection method: clinical testing. Allele origin: germline.
Comment: This variant is not present in population databases (gnomAD no frequency). This sequence change replaces lysine, which is basic and polar, with glutamic acid, which is acidic and polar, at codon 90 of the CRYAB protein (p.Lys90Glu). This variant has not been reported in the literature in individuals affected with CRYAB-related conditions. An algorithm developed to predict the effect of missense changes on protein structure and function (PolyPhen-2) suggests that this variant is likely to be tolerated. In summary, the available evidence is currently insufficient to determine the role of this variant in disease. Therefore, it has been classified as a Variant of Uncertain Significance.

NM_001289808.2(CRYAB):c.268A>G (p.Lys90Glu)

Gene: CRYAB (crystallin alpha B; minus strand). Cytogenetic location: 11q23.1.
Variant type: single nucleotide variant.
Coding change: c.268A>G on transcript NM_001289808.2 (MANE Select); coding-DNA position 268, A replaced by G.
Protein change: p.Lys90Glu; replaces lysine 90 with glutamic acid.
Molecular consequence: missense variant.
Genome position (GRCh38, 1-based): chr11:111,910,383, T>C on the plus strand (A>G on the coding strand, the complement: CRYAB is on the minus strand). VCF-style: chr11-111910383-T-C. GRCh37 (hg19) VCF-style: chr11-111781107-T-C.
Other names: c.268A>G, p.Lys90Glu (NM_001289807.1, NM_001368245.1, NM_001885.3); c.67A>G, p.Lys23Glu (NM_001330379.1, NM_001368246.1); short protein forms K90E, K23E.
Identifiers: ClinVar variation 2989178 (VCV002989178.3), dbSNP rs1965415986, ClinGen allele CA382599287.